The following is an entry in ClinVar:

ClinVar aggregate classification (germline): Uncertain significance (1 of 4 stars; one submission).

Conditions:
Epileptic encephalopathy. Identifiers: MedGen C0543888, HP:0200134.

gnomAD v4.1: 1 of 1,611,494 alleles (0.000062%); highest among the groups gnomAD compares: African/African-American, 0.0013%; no homozygotes.

Submission:

Labcorp Genetics (formerly Invitae), Labcorp
Classification: Uncertain significance for Epileptic encephalopathy. Last evaluated: 2024-09-20. Review status: criteria provided, single submitter. Criteria: Invitae Variant Classification Sherloc (09022015). Collection method: clinical testing. Allele origin: germline.
Comment: This sequence change replaces valine, which is neutral and non-polar, with methionine, which is neutral and non-polar, at codon 1417 of the FASN protein (p.Val1417Met). This variant is not present in population databases (gnomAD no frequency). This variant has not been reported in the literature in individuals affected with FASN-related conditions. An algorithm developed to predict the effect of missense changes on protein structure and function (PolyPhen-2) suggests that this variant is likely to be disruptive. In summary, the available evidence is currently insufficient to determine the role of this variant in disease. Therefore, it has been classified as a Variant of Uncertain Significance.

NM_004104.5(FASN):c.4249G>A (p.Val1417Met)

Gene: FASN (fatty acid synthase; minus strand). Cytogenetic location: 17q25.3.
Variant type: single nucleotide variant.
Coding change: c.4249G>A on transcript NM_004104.5 (MANE Select); coding-DNA position 4249, G replaced by A.
Protein change: p.Val1417Met; replaces valine 1417 with methionine.
Molecular consequence: missense variant.
Genome position (GRCh38, 1-based): chr17:82,085,276, C>T on the plus strand (G>A on the coding strand, the complement: FASN is on the minus strand). VCF-style: chr17-82085276-C-T. GRCh37 (hg19) VCF-style: chr17-80043152-C-T.
Other names: short protein forms V1417M.
Identifiers: ClinVar variation 3696826 (VCV003696826.2).